The following is an entry in ClinVar:

ClinVar aggregate classification (germline): Benign/Likely benign. Review status: criteria provided, multiple submitters, no conflicts (2 of 4 stars). 5 submissions from 4 submitters: Benign (1); Likely benign (4). Last evaluated 2026-01-12.

Conditions:
Cone dystrophy 4 (COD4). Identifiers: Orphanet 49382, MedGen C2751308, MONDO:0013129, OMIM 613093.
Achromatopsia. Also called: Rod monochromatism. Identifiers: Orphanet 49382, MedGen C0152200, MONDO:0018852, HP:0011516.

Allele frequency attached by ClinVar (database versions not stated): gnomAD exomes 0.00059 and 0.00160; ExAC 0.00190; gnomAD 0.00562 and 0.00596; ESP Exome Variant Server 0.00607; TOPMed 0.00649; 1000 Genomes Project 30x 0.00734; 1000 Genomes Project 0.00779.
gnomAD v4.1: 1,831 of 1,611,974 alleles (0.11%); highest among the groups gnomAD compares: African/African-American, 2%; 23 homozygotes.

Submissions (5):

Labcorp Genetics (formerly Invitae), Labcorp
Classification: Benign. Last evaluated: 2026-01-12. Review status: criteria provided, single submitter. Criteria: Invitae Variant Classification Sherloc (09022015). Collection method: clinical testing. Allele origin: germline.

Genomic Medicine Center of Excellence, King Faisal Specialist Hospital and Research Centre
Classification: Likely benign. Last evaluated: 2025-08-18. Review status: criteria provided, single submitter. Criteria: ACMG Guidelines, 2015. Collection method: clinical testing. Allele origin: germline.

Illumina Laboratory Services, Illumina
Classification: Likely benign for Achromatopsia. Last evaluated: 2018-01-13. Review status: criteria provided, single submitter. Criteria: ICSL Variant Classification Criteria 13 December 2019. Collection method: clinical testing. Allele origin: germline.
Comment: This variant was observed in the ICSL laboratory as part of a predisposition screen in an ostensibly healthy population. It had not been previously curated by ICSL or reported in the Human Gene Mutation Database (HGMD: prior to June 1st, 2018), and was therefore a candidate for classification through an automated scoring system. Utilizing variant allele frequency, disease prevalence and penetrance estimates, and inheritance mode, an automated score was calculated to assess if this variant is too frequent to cause the disease. Based on the score and internal cut-off values, a variant classified as likely benign is not then subjected to further curation. The score for this variant resulted in a classification of likely benign for this disease.

Illumina Laboratory Services, Illumina
Classification: Likely benign for Cone dystrophy 4. Last evaluated: 2018-01-13. Review status: criteria provided, single submitter. Criteria: ICSL Variant Classification Criteria 13 December 2019. Collection method: clinical testing. Allele origin: germline.
Comment: the same text as in the submission from Illumina Laboratory Services, Illumina above.

Breakthrough Genomics
Classification: Likely benign. Review status: criteria provided, single submitter. Criteria: ACMG Guidelines, 2015. Collection method: not provided. Allele origin: germline. Inheritance: Autosomal recessive inheritance. Affected: yes.

NM_006204.4(PDE6C):c.724-15G>T

Gene: PDE6C (phosphodiesterase 6C; plus strand). Cytogenetic location: 10q23.33.
Variant type: single nucleotide variant.
Coding change: c.724-15G>T on transcript NM_006204.4 (MANE Select); 15 bases into the intron before coding-DNA position 724, G replaced by T.
Molecular consequence: intron variant.
Genome position (GRCh38, 1-based): chr10:93,621,917, G>T. VCF-style: chr10-93621917-G-T. GRCh37 (hg19) VCF-style: chr10-95381674-G-T.
Identifiers: ClinVar variation 301624 (VCV000301624.15), dbSNP rs141403797, ClinGen allele CA5609932.
Genomic context (GRCh38, chr10:93,621,917, plus strand): 5'-TTTCTTGTGGTGAATGCTCTATCTCTCCATAGCATACTTTATTCTAACTGTTTTCTTTTT[G>T]ATACCTACTTTCAGATCCTTATGTGGTCAGCCAATAAAGTATTTGAAGAACTCACAGATG-3'